The following is an entry in ClinVar:

ClinVar aggregate classification (germline): Conflicting classifications of pathogenicity. Review status: criteria provided, conflicting classifications (1 of 4 stars). 3 submissions from 3 submitters: Uncertain significance (1); Likely benign (1). 1 of the submissions does not count toward it. Last evaluated 2025-01-20.

Conditions:
MAGEL2-related disorder. Also called: MAGEL2-related condition.
Inborn genetic diseases. Identifiers: MedGen C0950123, MeSH D030342.

Allele frequency attached by ClinVar (database versions not stated): ExAC 0.00009; TOPMed 0.00011; gnomAD 0.00013; gnomAD exomes 0.00021.
gnomAD v4.1: 298 of 1,531,370 alleles (0.019%); highest among the groups gnomAD compares: Non-Finnish European, 0.024%; no homozygotes.

Submissions (3):

Labcorp Genetics (formerly Invitae), Labcorp
Classification: Uncertain significance. Last evaluated: 2025-01-20. Review status: criteria provided, single submitter. Criteria: Invitae Variant Classification Sherloc (09022015). Collection method: clinical testing. Allele origin: germline.
Comment: This sequence change replaces proline, which is neutral and non-polar, with leucine, which is neutral and non-polar, at codon 88 of the MAGEL2 protein (p.Pro88Leu). This variant is present in population databases (rs780815292, gnomAD 0.04%), and has an allele count higher than expected for a pathogenic variant. This variant has not been reported in the literature in individuals affected with MAGEL2-related conditions. ClinVar contains an entry for this variant (Variation ID: 1903574). Experimental studies and prediction algorithms are not available or were not evaluated, and the functional significance of this variant is currently unknown. In summary, the available evidence is currently insufficient to determine the role of this variant in disease. Therefore, it has been classified as a Variant of Uncertain Significance.

Ambry Genetics
Classification: Likely benign for Inborn genetic diseases. Last evaluated: 2023-07-27. Review status: criteria provided, single submitter. Criteria: Ambry Variant Classification Scheme 2023. Collection method: clinical testing. Allele origin: germline.

PreventionGenetics, part of Exact Sciences
Classification: Likely benign for MAGEL2-related condition. Last evaluated: 2024-03-22. Review status: no assertion criteria provided. Collection method: clinical testing. Allele origin: germline. Not counted in ClinVar's aggregate classification.
Comment: This variant is classified as likely benign based on ACMG/AMP sequence variant interpretation guidelines (Richards et al. 2015 PMID: 25741868, with internal and published modifications).

NM_019066.5(MAGEL2):c.263C>T (p.Pro88Leu)

Gene: MAGEL2 (MAGE family member L2; minus strand). Cytogenetic location: 15q11.2.
Variant type: single nucleotide variant.
Coding change: c.263C>T on transcript NM_019066.5 (MANE Select); coding-DNA position 263, C replaced by T.
Protein change: p.Pro88Leu; replaces proline 88 with leucine.
Molecular consequence: missense variant.
Genome position (GRCh38, 1-based): chr15:23,647,480, G>A on the plus strand (C>T on the coding strand, the complement: MAGEL2 is on the minus strand). VCF-style: chr15-23647480-G-A. GRCh37 (hg19) VCF-style: chr15-23892627-G-A.
Other names: c.263C>T (NM_019066.4); short protein forms P88L.
Identifiers: ClinVar variation 1903574 (VCV001903574.8), dbSNP rs780815292, ClinGen allele CA7430123.
Genomic context (GRCh38, chr15:23,647,480, plus strand): 5'-AGGACCCCGGGAGTCGGAGGCTTACCCATCGGGCCCCCCAGCGGGGGAGCCGGGACTATC[G>A]GGCCCCCTAGGGCAGGAGGCTGGGTCATCGGAACCACCGGGGCGGGCAGCTGGCCCTGTG-3'
Protein context (NP_061939.3, residues 78-98): PMTQPPALGG[Pro88Leu]IVPAPPLGGP